The following is an entry in ClinVar:

ClinVar aggregate classification (germline): Pathogenic (1 of 4 stars; one submission).

Conditions:
Nephronophthisis 18 (NPHP18). Identifiers: Orphanet 655, MedGen C3890591, MONDO:0014374, OMIM 615862.

Submission:

Labcorp Genetics (formerly Invitae), Labcorp
Classification: Pathogenic for Nephronophthisis 18. Last evaluated: 2021-10-07. Review status: criteria provided, single submitter. Criteria: Invitae Variant Classification Sherloc (09022015). Collection method: clinical testing. Allele origin: germline.
Comment: For these reasons, this variant has been classified as Pathogenic. This variant has not been reported in the literature in individuals affected with CEP83-related conditions. This variant is not present in population databases (ExAC no frequency). This sequence change creates a premature translational stop signal (p.Gln389*) in the CEP83 gene. It is expected to result in an absent or disrupted protein product. Loss-of-function variants in CEP83 are known to be pathogenic (PMID: 23530209, 24882706).

Literature cited by the submitters: PubMed 23530209; PubMed 24882706.

NM_016122.3(CEP83):c.1165C>T (p.Gln389Ter)

Gene: CEP83 (centrosomal protein 83; minus strand). Cytogenetic location: 12q22.
Variant type: single nucleotide variant.
Coding change: c.1165C>T on transcript NM_016122.3 (MANE Select); coding-DNA position 1165, C replaced by T.
Protein change: p.Gln389Ter; replaces glutamine 389 with a stop codon.
Molecular consequence: nonsense. On other transcripts: non-coding transcript variant (1).
Genome position (GRCh38, 1-based): chr12:94,368,085, G>A on the plus strand (C>T on the coding strand, the complement: CEP83 is on the minus strand). VCF-style: chr12-94368085-G-A. GRCh37 (hg19) VCF-style: chr12-94761861-G-A.
Other names: c.1165C>T, p.Gln389Ter (NM_001042399.2, NM_001346457.2, NM_001368037.1 and 1 more transcripts); c.853C>T, p.Gln285Ter (NM_001346458.2, NM_001346459.2, NM_001368039.1 and 1 more transcripts); c.940C>T, p.Gln314Ter (NM_001368041.1); short protein forms Q285*, Q314*, Q389*.
Identifiers: ClinVar variation 1427235 (VCV001427235.6), dbSNP rs2061111812, ClinGen allele CA386145708.